The following is an entry in ClinVar:

NM_007259.5(VPS45):c.1231A>G (p.Arg411Gly)

Gene: VPS45 (vacuolar protein sorting 45 homolog; plus strand). Cytogenetic location: 1q21.2.
Variant type: single nucleotide variant.
Coding change: c.1231A>G on transcript NM_007259.5 (MANE Select); coding-DNA position 1231, A replaced by G.
Protein change: p.Arg411Gly; replaces arginine 411 with glycine.
Molecular consequence: missense variant. On other transcripts: non-coding transcript variant (1).
Genome position (GRCh38, 1-based): chr1:150,092,063, A>G. VCF-style: chr1-150092063-A-G. GRCh37 (hg19) VCF-style: chr1-150064157-A-G.
Other names: c.916A>G, p.Arg306Gly (NM_001279353.2); c.1123A>G, p.Arg375Gly (NM_001279354.2); c.1231A>G (NM_007259.3); short protein forms R306G, R375G, R411G.
Identifiers: ClinVar variation 1026138 (VCV001026138.12), dbSNP rs782194772, ClinGen allele CA1073338.

ClinVar aggregate classification (germline): Uncertain significance. Review status: criteria provided, multiple submitters, no conflicts (2 of 4 stars). 3 submissions from 3 submitters: Uncertain significance (2). 1 of the submissions does not count toward it. Last evaluated 2025-09-05.

Conditions:
Inborn genetic diseases. Identifiers: MedGen C0950123, MeSH D030342.
Congenital neutropenia-myelofibrosis-nephromegaly syndrome. Also called: Severe congenital neutropenia 5, autosomal recessive. Identifiers: Orphanet 369852, MedGen C3809031, MONDO:0014118, OMIM 615285.

Allele frequency attached by ClinVar (database versions not stated): ExAC 0.00001; gnomAD 0.00001; TOPMed 0.00001; gnomAD exomes 0.00002.
gnomAD v4.1: 15 of 1,613,874 alleles (0.00093%); highest among the groups gnomAD compares: Non-Finnish European, 0.0013%; no homozygotes.

Submissions (3):

Ambry Genetics
Classification: Uncertain significance for Inborn genetic diseases. Last evaluated: 2025-09-05. Review status: criteria provided, single submitter. Criteria: Ambry Variant Classification Scheme 2023. Collection method: clinical testing. Allele origin: germline.

Labcorp Genetics (formerly Invitae), Labcorp
Classification: Uncertain significance for Congenital neutropenia-myelofibrosis-nephromegaly syndrome. Last evaluated: 2021-09-01. Review status: criteria provided, single submitter. Criteria: Invitae Variant Classification Sherloc (09022015). Collection method: clinical testing. Allele origin: germline.
Comment: This sequence change replaces arginine with glycine at codon 411 of the VPS45 protein (p.Arg411Gly). The arginine residue is moderately conserved and there is a moderate physicochemical difference between arginine and glycine. This variant is present in population databases (rs782194772, ExAC no frequency). This variant has not been reported in the literature in individuals affected with VPS45-related conditions. Algorithms developed to predict the effect of missense changes on protein structure and function (SIFT, PolyPhen-2, Align-GVGD) all suggest that this variant is likely to be tolerated. In summary, the available evidence is currently insufficient to determine the role of this variant in disease. Therefore, it has been classified as a Variant of Uncertain Significance.

Natera, Inc.
Classification: Uncertain significance for Autosomal recessive severe congenital neutropenia 5. Last evaluated: 2020-08-07. Review status: no assertion criteria provided. Collection method: clinical testing. Allele origin: germline. Not counted in ClinVar's aggregate classification.